The following is an entry in ClinVar:

ClinVar aggregate classification (germline): Likely benign (0 of 4 stars; one submission).

Conditions:
AGL-related disorder. Also called: AGL-related condition.

Allele frequency attached by ClinVar (database versions not stated): gnomAD exomes 0.00002.
gnomAD v4.1: 16 of 776,592 alleles (0.0021%); highest among the groups gnomAD compares: Middle Eastern, 0.022%; no homozygotes.

Submission:

PreventionGenetics, part of Exact Sciences
Classification: Likely benign for AGL-related condition. Last evaluated: 2020-11-03. Review status: no assertion criteria provided. Collection method: clinical testing. Allele origin: germline.
Comment: This variant is classified as likely benign based on ACMG/AMP sequence variant interpretation guidelines (Richards et al. 2015 PMID: 25741868, with internal and published modifications).

NM_000642.3(AGL):c.82+1542G>A

Gene: AGL (amylo-alpha-1,6-glucosidase and 4-alpha-glucanotransferase; plus strand). Cytogenetic location: 1p21.2.
Variant type: single nucleotide variant.
Coding change: c.82+1542G>A on transcript NM_000642.3 (MANE Select); 1542 bases into the intron after coding-DNA position 82, G replaced by A.
Molecular consequence: intron variant. On other transcripts: 5 prime UTR variant (1).
Genome position (GRCh38, 1-based): chr1:99,852,666, G>A. VCF-style: chr1-99852666-G-A. GRCh37 (hg19) VCF-style: chr1-100318222-G-A.
Other names: c.-4G>A (NM_000646.3); c.82+1542G>A (NM_000643.3, NM_000644.3, NM_001425326.1 and 6 more transcripts).
Identifiers: ClinVar variation 3048207 (VCV003048207.2), dbSNP rs1236840820, ClinGen allele CA524716858.